The following is an entry in ClinVar:

NM_001009944.3(PKD1):c.1564T>G (p.Cys522Gly)

Gene: PKD1 (polycystin 1, transient receptor potential channel interacting; minus strand). Cytogenetic location: 16p13.3.
Variant type: single nucleotide variant.
Coding change: c.1564T>G on transcript NM_001009944.3 (MANE Select); coding-DNA position 1564, T replaced by G.
Protein change: p.Cys522Gly; replaces cysteine 522 with glycine.
Molecular consequence: missense variant.
Genome position (GRCh38, 1-based): chr16:2,116,875, A>C on the plus strand (T>G on the coding strand, the complement: PKD1 is on the minus strand). VCF-style: chr16-2116875-A-C. GRCh37 (hg19) VCF-style: chr16-2166876-A-C.
Other names: c.1564T>G, p.Cys522Gly (NM_000296.4); short protein forms C522G.
Identifiers: ClinVar variation 3235163 (VCV003235163.1), dbSNP rs2544871836.

ClinVar aggregate classification (germline): Uncertain significance (1 of 4 stars; one submission).

Conditions:
Polycystic kidney disease, adult type (PKD1). Also called: Polycystic Kidney Disease 1, Autosomal Dominant; Polycystic kidney disease 1; Polycystic kidney disease 1, severe; Polycystic Kidney, Autosomal Dominant; POLYCYSTIC KIDNEY DISEASE 1 WITH OR WITHOUT POLYCYSTIC LIVER DISEASE; POLYCYSTIC KIDNEY DISEASE, ADULT, TYPE I. Identifiers: MedGen C3149841, MONDO:0008263, OMIM 173900.

Submission:

MVZ Medizinische Genetik Mainz
Classification: Uncertain significance for Polycystic kidney disease, adult type. Last evaluated: 2022-11-10. Review status: criteria provided, single submitter. Criteria: UK Practice Guidelines For Variant Classification V4 01 2020. Collection method: clinical testing. Allele origin: germline. Inheritance: Autosomal dominant inheritance. Affected: yes. Observed: 1 variant allele.
Comment: ACMG Criteria: PM5, PM2_SUP, PP3, PP4 (ACMG Version 4)